The following is an entry in ClinVar:

ClinVar aggregate classification (germline): Uncertain significance. Review status: criteria provided, multiple submitters, no conflicts (2 of 4 stars). 2 submissions from 2 submitters: Uncertain significance (2). Last evaluated 2025-08-20.

Conditions:
Inborn genetic diseases. Identifiers: MedGen C0950123, MeSH D030342.
Hyper-IgE recurrent infection syndrome 3, autosomal recessive. Also called: Autosomal recessive hyper-IgE syndrome due to ZNF341 deficiency; HYPER-IgE SYNDROME 3, AUTOSOMAL RECESSIVE, WITH RECURRENT INFECTIONS. Identifiers: Orphanet 641368, MedGen C4748969, MONDO:0032654, OMIM 618282.

Submissions (2):

Ambry Genetics
Classification: Uncertain significance for Inborn genetic diseases. Last evaluated: 2025-08-20. Review status: criteria provided, single submitter. Criteria: Ambry Variant Classification Scheme 2023. Collection method: clinical testing. Allele origin: germline.

Labcorp Genetics (formerly Invitae), Labcorp
Classification: Uncertain significance for Combined immunodeficiency due to DOCK8 deficiency. Last evaluated: 2017-09-17. Review status: criteria provided, single submitter. Criteria: Invitae Variant Classification Sherloc (09022015). Collection method: clinical testing. Allele origin: germline.
Comment: In summary, the available evidence is currently insufficient to determine the role of this variant in disease. Therefore, it has been classified as a Variant of Uncertain Significance. Algorithms developed to predict the effect of missense changes on protein structure and function output the following: SIFT: "Tolerated"; PolyPhen-2: "Benign"; Align-GVGD: "Class C0". The leucine amino acid residue is found in multiple mammalian species, suggesting that this missense change does not adversely affect protein function. These predictions have not been confirmed by published functional studies and their clinical significance is uncertain. This variant has not been reported in the literature in individuals with DOCK8-related disease. This variant is not present in population databases (ExAC no frequency). This sequence change replaces valine with leucine at codon 94 of the DOCK8 protein (p.Val94Leu). The valine residue is weakly conserved and there is a small physicochemical difference between valine and leucine.

NM_203447.4(DOCK8):c.280G>C (p.Val94Leu)

Genes: DOCK8 (dedicator of cytokinesis 8; plus strand), LOC126860552 (BRD4-independent group 4 enhancer GRCh37_chr9:285795-286994; plus strand). Cytogenetic location: 9p24.3.
Variant type: single nucleotide variant.
Coding change: c.280G>C on transcript NM_203447.4 (MANE Select); coding-DNA position 280, G replaced by C.
Protein change: p.Val94Leu; replaces valine 94 with leucine.
Molecular consequence: missense variant.
Genome position (GRCh38, 1-based): chr9:286,584, G>C. VCF-style: chr9-286584-G-C. GRCh37 (hg19) VCF-style: chr9-286584-G-C.
Other names: c.76G>C, p.Val26Leu (NM_001190458.2, NM_001193536.2); short protein forms V94L, V26L.
Identifiers: ClinVar variation 536605 (VCV000536605.8), dbSNP rs1554655875, ClinGen allele CA372756335.